The following is an entry in ClinVar:

ClinVar aggregate classification (germline): Uncertain significance (1 of 4 stars; one submission).

gnomAD v4.1: 3 of 597,626 alleles (0.0005%); highest among the groups gnomAD compares: Non-Finnish European, 0.00094%; no homozygotes.

Submission:

Dasa
Classification: Uncertain significance. Last evaluated: 2025-10-16. Review status: criteria provided, single submitter. Criteria: DASA Assertion Criteria. Collection method: clinical testing. Allele origin: germline.
Comment: NM_003383.5(VLDLR):c.-297T>A is an intronic variant. This variant is rare in population databases. The currently available literature and clinical evidence are not sufficient to establish a definitive association between this variant and the reported condition. Therefore, this variant is classified as a variant of uncertain significance.

NM_003383.5(VLDLR):c.-297T>A

Genes: VLDLR (very low density lipoprotein receptor; plus strand), VLDLR-AS1 (VLDLR antisense RNA 1; minus strand). Cytogenetic location: 9p24.2.
Variant type: single nucleotide variant.
Coding change: c.-297T>A on transcript NM_003383.5 (MANE Select); 297 bases upstream of the start codon, T replaced by A.
Molecular consequence: 5 prime UTR variant.
Genome position (GRCh38, 1-based): chr9:2,621,893, T>A. VCF-style: chr9-2621893-T-A. GRCh37 (hg19) VCF-style: chr9-2621893-T-A.
Other names: c.-297T>A (NM_001018056.3, NM_001322225.2, NM_001322226.2).
Identifiers: ClinVar variation 4881517 (VCV004881517.2).
Genomic context (GRCh38, chr9:2,621,893, plus strand): 5'-CCTCTCCGTTCTGTGCTCTCTTCTGCTCTCGGCTCCCCACCCCCTCTCCCTTCCCTCCTC[T>A]CCCCTTGCCTCCCCTCCTCTGCAGCGCCTGCATTATTTTCTGCCCGCAGGCTCGGCTTGC-3'